The following is an entry in ClinVar:

NM_207122.2(EXT2):c.2031CAA[1] (p.Asn678del)

Gene: EXT2 (exostosin glycosyltransferase 2; plus strand). Cytogenetic location: 11p11.2.
Variant type: Microsatellite.
Coding change: c.2031CAA[1] on transcript NM_207122.2 (MANE Select); one copy of the 3-base unit CAA starting at c.2031; the reference has two copies in a row; one copy, 3 bases deleted; also written c.2034_2036del.
Protein change: p.Asn678del; deletes asparagine 678.
Molecular consequence: inframe deletion.
Genome position (GRCh38, 1-based): chr11:44,244,164-44,244,166, CAA deleted; deleting any 3 consecutive bases within chr11:44,244,161-44,244,166 gives the same sequence; the position shown is the placement nearest the transcript's 3' end. VCF-style (leftmost placement, unchanged base first): chr11-44244160-TCAA-T. GRCh37 (hg19) VCF-style: chr11-44265710-TCAA-T.
Other names: c.2034_2036del (NM_207122.1); c.2130CAA[1], p.Asn711del (NM_000401.3); c.2061CAA[1], p.Asn688del (NM_001178083.3); c.2133_2135del (NM_000401.3); short protein forms N711del, N678del, N688del.
Identifiers: ClinVar variation 304594 (VCV000304594.11), dbSNP rs753223281, ClinGen allele CA5955442.

ClinVar aggregate classification (germline): Conflicting classifications of pathogenicity. Review status: criteria provided, conflicting classifications (1 of 4 stars). 4 submissions from 4 submitters: Uncertain significance (3); Likely benign (1). Last evaluated 2026-03-09.

Conditions:
Exostoses, multiple, type 2 (EXT2). Also called: EXOSTOSES, MULTIPLE, TYPE II; Hereditary Multiple Osteochondromatosis, Type II. Identifiers: Orphanet 321, MedGen C1851413, MONDO:0007586, OMIM 133701.

Submissions (4):

GeneDx
Classification: Uncertain significance. Last evaluated: 2026-03-09. Review status: criteria provided, single submitter. Criteria: GeneDx Variant Classification Process June 2021. Collection method: clinical testing. Allele origin: germline.
Comment: In-frame deletion of 1 amino acid(s) in a non-repeat region; In silico analysis supports a deleterious effect on protein structure/function; Has not been previously published as pathogenic or benign to our knowledge

Labcorp Genetics (formerly Invitae), Labcorp
Classification: Likely benign for Exostoses, multiple, type 2. Last evaluated: 2025-11-01. Review status: criteria provided, single submitter. Criteria: Invitae Variant Classification Sherloc (09022015). Collection method: clinical testing. Allele origin: germline.

St. Jude Molecular Pathology, St. Jude Children's Research Hospital
Classification: Uncertain significance for Exostoses, multiple, type 2. Last evaluated: 2022-08-19. Review status: criteria provided, single submitter. Criteria: St. Jude Assertion Criteria 2020. Collection method: clinical testing. Allele origin: germline.
Comment: The EXT2 c.2133_2135del (p.Asn711del) change deletes three nucleotides at position 2133-2135 resulting in an in-frame deletion of one amino acid at codon 711 in exon 14. This change has a maximum subpopulation frequency of 0.0054% in gnomAD v2.1.1. To our knowledge, this variant has not been reported in individuals with hereditary multiple exostoses. In summary, the evidence currently available is insufficient to determine the clinical significance of this variant. It has therefore been classified as of uncertain significance.

Blueprint Genetics
Classification: Uncertain significance. Last evaluated: 2019-09-20. Review status: criteria provided, single submitter. Criteria: ACMG Guidelines, 2015. Collection method: clinical testing. Allele origin: germline.